The following is an entry in ClinVar:

ClinVar aggregate classification (germline): Uncertain significance (1 of 4 stars; one submission).

Submission:

Labcorp Genetics (formerly Invitae), Labcorp
Classification: Uncertain significance. Last evaluated: 2025-02-10. Review status: criteria provided, single submitter. Criteria: Invitae Variant Classification Sherloc (09022015). Collection method: clinical testing. Allele origin: germline.
Comment: This sequence change replaces glycine, which is neutral and non-polar, with alanine, which is neutral and non-polar, at codon 23 of the CSF2RB protein (p.Gly23Ala). This variant is not present in population databases (gnomAD no frequency). This variant has not been reported in the literature in individuals affected with CSF2RB-related conditions. ClinVar contains an entry for this variant (Variation ID: 2758083). Invitae Evidence Modeling of protein sequence and biophysical properties (such as structural, functional, and spatial information, amino acid conservation, physicochemical variation, residue mobility, and thermodynamic stability) indicates that this missense variant is not expected to disrupt CSF2RB protein function with a negative predictive value of 80%. In summary, the available evidence is currently insufficient to determine the role of this variant in disease. Therefore, it has been classified as a Variant of Uncertain Significance.

NM_000395.3(CSF2RB):c.68G>C (p.Gly23Ala)

Gene: CSF2RB (colony stimulating factor 2 receptor subunit beta; plus strand). Cytogenetic location: 22q12.3.
Variant type: single nucleotide variant.
Coding change: c.68G>C on transcript NM_000395.3 (MANE Select); coding-DNA position 68, G replaced by C.
Protein change: p.Gly23Ala; replaces glycine 23 with alanine.
Molecular consequence: missense variant.
Genome position (GRCh38, 1-based): chr22:36,922,275, G>C. VCF-style: chr22-36922275-G-C. GRCh37 (hg19) VCF-style: chr22-37318317-G-C.
Other names: c.68G>C, p.Gly23Ala (NM_001410827.1); short protein forms G23A.
Identifiers: ClinVar variation 2758083 (VCV002758083.3), dbSNP rs866832522, ClinGen allele CA411401271.